The following is an entry in ClinVar:

NM_033448.3(KRT71):c.1567C>T (p.Arg523Trp)

Gene: KRT71 (keratin 71; minus strand). Cytogenetic location: 12q13.13.
Variant type: single nucleotide variant.
Coding change: c.1567C>T on transcript NM_033448.3 (MANE Select); coding-DNA position 1567, C replaced by T.
Protein change: p.Arg523Trp; replaces arginine 523 with tryptophan.
Molecular consequence: missense variant.
Genome position (GRCh38, 1-based): chr12:52,544,537, G>A on the plus strand (C>T on the coding strand, the complement: KRT71 is on the minus strand). VCF-style: chr12-52544537-G-A. GRCh37 (hg19) VCF-style: chr12-52938321-G-A.
Other names: short protein forms R523W.
Identifiers: ClinVar variation 778635 (VCV000778635.14), dbSNP rs144494659, ClinGen allele CA6583002.
Genomic context (GRCh38, chr12:52,544,537, plus strand): 5'-AGTGTGGGATCCAGAGCCGGGTCATGGAATGAGGCGGGGCCCGGGGCAGTCTTCTCTACC[G>A]ACTGGTTTTCTTGGAGGGTGCACTCAGGCTGGAACCCTTCCCTAGGGTGTCTTTGTAATC-3'
Protein context (NP_258259.1, residues 513-523): SLSAPSKKTS[Arg523Trp]

ClinVar aggregate classification (germline): Benign/Likely benign. Review status: criteria provided, multiple submitters, no conflicts (2 of 4 stars). 5 submissions from 5 submitters: Benign (2); Likely benign (2). 1 of the submissions does not count toward it. Last evaluated 2025-11-15.

Conditions:
KRT71-related disorder. Also called: KRT71-related condition.

Allele frequency attached by ClinVar (database versions not stated): gnomAD exomes 0.00118; ExAC 0.00134; 1000 Genomes Project 0.00379; 1000 Genomes Project 30x 0.00406; gnomAD 0.00438 and 0.00464; ESP Exome Variant Server 0.00477; TOPMed 0.00495.

Submissions (5):

Labcorp Genetics (formerly Invitae), Labcorp
Classification: Benign. Last evaluated: 2025-11-15. Review status: criteria provided, single submitter. Criteria: Invitae Variant Classification Sherloc (09022015). Collection method: clinical testing. Allele origin: germline.

Genomic Medicine Center of Excellence, King Faisal Specialist Hospital and Research Centre
Classification: Likely benign. Last evaluated: 2025-08-18. Review status: criteria provided, single submitter. Criteria: ACMG Guidelines, 2015. Collection method: clinical testing. Allele origin: germline.

Blueprint Genetics
Classification: Likely benign. Last evaluated: 2024-11-25. Review status: criteria provided, single submitter. Criteria: ACMG Guidelines, 2015. Collection method: clinical testing. Allele origin: germline.

Breakthrough Genomics
Classification: Benign. Review status: criteria provided, single submitter. Criteria: ACMG Guidelines, 2015. Collection method: not provided. Allele origin: germline. Inheritance: Autosomal dominant inheritance. Affected: yes.

PreventionGenetics, part of Exact Sciences
Classification: Benign for KRT71-related condition. Last evaluated: 2019-10-29. Review status: no assertion criteria provided. Collection method: clinical testing. Allele origin: germline. Not counted in ClinVar's aggregate classification.
Comment: This variant is classified as benign based on ACMG/AMP sequence variant interpretation guidelines (Richards et al. 2015 PMID: 25741868, with internal and published modifications).